The following is an entry in ClinVar:

NM_000540.3(RYR1):c.2005G>T (p.Glu669Ter)

Gene: RYR1 (ryanodine receptor 1; plus strand). Cytogenetic location: 19q13.2.
Variant type: single nucleotide variant.
Coding change: c.2005G>T on transcript NM_000540.3 (MANE Select); coding-DNA position 2005, G replaced by T.
Protein change: p.Glu669Ter; replaces glutamic acid 669 with a stop codon.
Molecular consequence: nonsense.
Genome position (GRCh38, 1-based): chr19:38,458,130, G>T. VCF-style: chr19-38458130-G-T. GRCh37 (hg19) VCF-style: chr19-38948770-G-T.
Other names: c.2005G>T, p.Glu669Ter (NM_001042723.2); short protein forms E669*.
Identifiers: ClinVar variation 1075694 (VCV001075694.7), dbSNP rs768718943, ClinGen allele CA405696063.
Genomic context (GRCh38, chr19:38,458,130, plus strand): 5'-GTGGGCCGAGCGGAAGGCACCACGCAGTACAGCAAATGGTACTTTGAGGTGATGGTGGAC[G>T]AGGTGACTCCATTTCTGACAGCTCAGGCCACCCACTTGCGGGTGGGCTGGGCCCTCACCG-3'

ClinVar aggregate classification (germline): Pathogenic (1 of 4 stars; one submission).

Conditions:
RYR1-related disorder. Also called: RYR1-related condition; RYR1-related disorders. Identifiers: MedGen CN239331.

Submission:

Labcorp Genetics (formerly Invitae), Labcorp
Classification: Pathogenic for RYR1-related disorder. Last evaluated: 2020-08-29. Review status: criteria provided, single submitter. Criteria: Invitae Variant Classification Sherloc (09022015). Collection method: clinical testing. Allele origin: germline.
Comment: For these reasons, this variant has been classified as Pathogenic. Loss-of-function variants in RYR1 are known to be pathogenic (PMID: 20583297, 20839240, 23919265, 28818389). This variant has not been reported in the literature in individuals with RYR1-related conditions. This variant is not present in population databases (ExAC no frequency). This sequence change creates a premature translational stop signal (p.Glu669*) in the RYR1 gene. It is expected to result in an absent or disrupted protein product.

Literature cited by the submitters: PubMed 20583297; PubMed 20839240; PubMed 23919265; PubMed 28818389.